The following is an entry in ClinVar:

NM_012469.4(PRPF6):c.1231G>A (p.Val411Ile)

Gene: PRPF6 (pre-mRNA processing factor 6; plus strand). Cytogenetic location: 20q13.33.
Variant type: single nucleotide variant.
Coding change: c.1231G>A on transcript NM_012469.4 (MANE Select); coding-DNA position 1231, G replaced by A.
Protein change: p.Val411Ile; replaces valine 411 with isoleucine.
Molecular consequence: missense variant.
Genome position (GRCh38, 1-based): chr20:64,010,244, G>A. VCF-style: chr20-64010244-G-A. GRCh37 (hg19) VCF-style: chr20-62641597-G-A.
Other names: c.1231G>A (NM_012469.3); short protein forms V411I.
Identifiers: ClinVar variation 1488309 (VCV001488309.8), dbSNP rs771579599, ClinGen allele CA9972128.

ClinVar aggregate classification (germline): Uncertain significance. Review status: criteria provided, multiple submitters, no conflicts (2 of 4 stars). 3 submissions from 3 submitters: Uncertain significance (3). Last evaluated 2025-02-03.

Conditions:
Retinal dystrophy. Also called: Inherited retinal dystrophy. Identifiers: Orphanet 71862, MedGen C0854723, MeSH D058499, MONDO:0019118, HP:0000556.

Allele frequency attached by ClinVar (database versions not stated): ExAC 0.00001; gnomAD 0.00001; gnomAD exomes 0.00001; TOPMed 0.00001.
gnomAD v4.1: 16 of 1,614,056 alleles (0.00099%); highest among the groups gnomAD compares: East Asian, 0.0067%; no homozygotes.

Submissions (3):

Labcorp Genetics (formerly Invitae), Labcorp
Classification: Uncertain significance. Last evaluated: 2025-02-03. Review status: criteria provided, single submitter. Criteria: Invitae Variant Classification Sherloc (09022015). Collection method: clinical testing. Allele origin: germline.
Comment: This sequence change replaces valine, which is neutral and non-polar, with isoleucine, which is neutral and non-polar, at codon 411 of the PRPF6 protein (p.Val411Ile). This variant is present in population databases (rs771579599, gnomAD 0.006%). This variant has not been reported in the literature in individuals affected with PRPF6-related conditions. ClinVar contains an entry for this variant (Variation ID: 1488309). Invitae Evidence Modeling of protein sequence and biophysical properties (such as structural, functional, and spatial information, amino acid conservation, physicochemical variation, residue mobility, and thermodynamic stability) indicates that this missense variant is not expected to disrupt PRPF6 protein function with a negative predictive value of 80%. In summary, the available evidence is currently insufficient to determine the role of this variant in disease. Therefore, it has been classified as a Variant of Uncertain Significance.

Ambry Genetics
Classification: Uncertain significance. Last evaluated: 2024-11-18. Review status: criteria provided, single submitter. Criteria: Ambry Variant Classification Scheme 2023. Collection method: clinical testing. Allele origin: germline.

Dept Of Ophthalmology, Nagoya University
Classification: Uncertain significance for Retinal dystrophy. Last evaluated: 2023-10-01. Review status: criteria provided, single submitter. Criteria: Submitter's publication. Collection method: research. Allele origin: germline. Affected: yes.